The following is an entry in ClinVar:

NM_000548.5(TSC2):c.4077C>A (p.Ile1359=)

Gene: TSC2 (TSC complex subunit 2; plus strand). Cytogenetic location: 16p13.3.
Variant type: single nucleotide variant.
Coding change: c.4077C>A on transcript NM_000548.5 (MANE Select); coding-DNA position 4077, C replaced by A.
Protein change: p.Ile1359=; no amino-acid change (isoleucine 1359 retained).
Molecular consequence: synonymous variant. On other transcripts: non-coding transcript variant (5).
Genome position (GRCh38, 1-based): chr16:2,084,299, C>A. VCF-style: chr16-2084299-C-A. GRCh37 (hg19) VCF-style: chr16-2134300-C-A.
Other names: c.2532C>A, p.Ile844= (NM_001406695.1, NM_001406696.1, NM_001406697.1); c.2274C>A, p.Ile758= (NM_001406698.1); c.3948C>A, p.Ile1316= (NM_021055.3, NM_001370405.1); c.3876C>A, p.Ile1292= (NM_001077183.3); c.4008C>A, p.Ile1336= (NM_001114382.3); c.3768C>A, p.Ile1256= (NM_001318827.2); c.3732C>A, p.Ile1244= (NM_001318829.2); c.3345C>A, p.Ile1115= (NM_001318831.2); and 26 more.
Identifiers: ClinVar variation 4071115 (VCV004071115.3).

ClinVar aggregate classification (germline): Benign/Likely benign. Review status: criteria provided, multiple submitters, no conflicts (2 of 4 stars). 3 submissions from 3 submitters: Benign (1); Likely benign (2). Last evaluated 2026-06-25.

Conditions:
Tuberous sclerosis 2 (TSC2). Identifiers: Orphanet 805, MedGen C1860707, MONDO:0013199, OMIM 613254.
Hereditary cancer-predisposing syndrome. Also called: Neoplastic Syndromes, Hereditary; Tumor predisposition; Hereditary Cancer Syndrome; Hereditary neoplastic syndrome. Identifiers: Orphanet 140162, MedGen C0027672, MeSH D009386, MONDO:0015356.

gnomAD v4.1: 1 of 1,612,670 alleles (0.000062%); no homozygotes.

Submissions (3):

Ambry Genetics
Classification: Likely benign for Hereditary cancer-predisposing syndrome. Last evaluated: 2026-06-25. Review status: criteria provided, single submitter. Criteria: Ambry Variant Classification Scheme 2023. Collection method: clinical testing. Allele origin: germline.

Myriad Genetics, Inc.
Classification: Benign for Tuberous sclerosis 2. Last evaluated: 2025-06-02. Review status: criteria provided, single submitter. Criteria: Myriad Autosomal Dominant, Autosomal Recessive and X-Linked Classification Criteria (2023). Collection method: clinical testing. Allele origin: unknown.
Comment: This variant is considered benign. This variant is a silent/synonymous amino acid change and it is not expected to impact splicing.

Labcorp Genetics (formerly Invitae), Labcorp
Classification: Likely benign for Tuberous sclerosis 2. Last evaluated: 2025-04-23. Review status: criteria provided, single submitter. Criteria: Invitae Variant Classification Sherloc (09022015). Collection method: clinical testing. Allele origin: germline.